The following is an entry in ClinVar:

ClinVar aggregate classification (germline): Uncertain significance (1 of 4 stars; one submission).

Allele frequency attached by ClinVar (database versions not stated): ExAC 0.00001; gnomAD 0.00001; gnomAD exomes 0.00001; TOPMed 0.00002.
gnomAD v4.1: 12 of 1,613,780 alleles (0.00074%); highest among the groups gnomAD compares: South Asian, 0.0022%; no homozygotes.

Submission:

Labcorp Genetics (formerly Invitae), Labcorp
Classification: Uncertain significance. Last evaluated: 2022-08-09. Review status: criteria provided, single submitter. Criteria: Invitae Variant Classification Sherloc (09022015). Collection method: clinical testing. Allele origin: germline.
Comment: This sequence change replaces proline, which is neutral and non-polar, with leucine, which is neutral and non-polar, at codon 782 of the FCHO1 protein (p.Pro782Leu). This variant is present in population databases (rs767199449, gnomAD 0.003%). This variant has not been reported in the literature in individuals affected with FCHO1-related conditions. ClinVar contains an entry for this variant (Variation ID: 1419891). Algorithms developed to predict the effect of missense changes on protein structure and function are either unavailable or do not agree on the potential impact of this missense change (SIFT: "Deleterious"; PolyPhen-2: "Benign"; Align-GVGD: "Class C0"). In summary, the available evidence is currently insufficient to determine the role of this variant in disease. Therefore, it has been classified as a Variant of Uncertain Significance.

NM_015122.3(FCHO1):c.2345C>T (p.Pro782Leu)

Gene: FCHO1 (FCH and mu domain containing endocytic adaptor 1; plus strand). Cytogenetic location: 19p13.11.
Variant type: single nucleotide variant.
Coding change: c.2345C>T on transcript NM_015122.3 (MANE Select); coding-DNA position 2345, C replaced by T.
Protein change: p.Pro782Leu; replaces proline 782 with leucine.
Molecular consequence: missense variant. On other transcripts: non-coding transcript variant (35), intron variant (5).
Genome position (GRCh38, 1-based): chr19:17,784,843, C>T. VCF-style: chr19-17784843-C-T. GRCh37 (hg19) VCF-style: chr19-17895652-C-T.
Other names: c.2345C>T, p.Pro782Leu (NM_001161357.2, NM_001161358.2, NM_001384370.1 and 11 more transcripts); c.2195C>T, p.Pro732Leu (NM_001161359.2, NM_001384384.1, NM_001384385.1 and 1 more transcripts); c.2324C>T, p.Pro775Leu (NM_001384387.1); c.2306C>T, p.Pro769Leu (NM_001384388.1, NM_001384389.1); c.2270C>T, p.Pro757Leu (NM_001384390.1); c.2228C>T, p.Pro743Leu (NM_001384392.1, NM_001384393.1, NM_001384394.1 and 1 more transcripts); c.2069C>T, p.Pro690Leu (NM_001384396.1, NM_001384397.1, NM_001384398.1 and 4 more transcripts); c.2024C>T, p.Pro675Leu (NM_001384403.1); and 5 more; short protein forms P732L, P743L, P775L, P690L, P757L, P769L, P782L, P675L.
Identifiers: ClinVar variation 1419891 (VCV001419891.5), dbSNP rs767199449, ClinGen allele CA9300843.